The following is an entry in ClinVar:

NM_002661.5(PLCG2):c.1834G>T (p.Ala612Ser)

Gene: PLCG2 (phospholipase C gamma 2; plus strand). Cytogenetic location: 16q23.3.
Variant type: single nucleotide variant.
Coding change: c.1834G>T on transcript NM_002661.5 (MANE Select); coding-DNA position 1834, G replaced by T.
Protein change: p.Ala612Ser; replaces alanine 612 with serine.
Molecular consequence: missense variant.
Genome position (GRCh38, 1-based): chr16:81,910,620, G>T. VCF-style: chr16-81910620-G-T. GRCh37 (hg19) VCF-style: chr16-81944225-G-T.
Other names: short protein forms A612S.
Identifiers: ClinVar variation 2135566 (VCV002135566.4), dbSNP rs2507675021, ClinGen allele CA396900984.

ClinVar aggregate classification (germline): Uncertain significance (1 of 4 stars; one submission).

Conditions:
Familial cold autoinflammatory syndrome 3 (FCAS3). Also called: FAMILIAL ATYPICAL COLD URTICARIA; ANTIBODY DEFICIENCY AND IMMUNE DYSREGULATION, PLCG2-ASSOCIATED. Identifiers: Orphanet 300359, MedGen C3280914, MONDO:0013766, OMIM 614468.

Submission:

Labcorp Genetics (formerly Invitae), Labcorp
Classification: Uncertain significance for Familial cold autoinflammatory syndrome 3. Last evaluated: 2022-05-08. Review status: criteria provided, single submitter. Criteria: Invitae Variant Classification Sherloc (09022015). Collection method: clinical testing. Allele origin: germline.
Comment: In summary, the available evidence is currently insufficient to determine the role of this variant in disease. Therefore, it has been classified as a Variant of Uncertain Significance. Algorithms developed to predict the effect of missense changes on protein structure and function (SIFT, PolyPhen-2, Align-GVGD) all suggest that this variant is likely to be tolerated. This variant has not been reported in the literature in individuals affected with PLCG2-related conditions. This variant is not present in population databases (gnomAD no frequency). This sequence change replaces alanine, which is neutral and non-polar, with serine, which is neutral and polar, at codon 612 of the PLCG2 protein (p.Ala612Ser).